The following is an entry in ClinVar:

ClinVar aggregate classification (germline): Benign/Likely benign. Review status: criteria provided, multiple submitters, no conflicts (2 of 4 stars). 3 submissions from 3 submitters: Benign (1); Likely benign (2). Last evaluated 2026-01-12.

Conditions:
Axenfeld-Rieger syndrome type 3 (RIEG3). Also called: AXENFELD-RIEGER ANOMALY WITH CARDIAC DEFECTS AND/OR SENSORINEURAL HEARING LOSS. Identifiers: Orphanet 782, MedGen C2678503, MONDO:0011233, OMIM 602482.
FOXC1-related disorder. Also called: FOXC1-related condition.

Allele frequency attached by ClinVar (database versions not stated): gnomAD exomes 0.00028; ExAC 0.00033; ESP Exome Variant Server 0.00077; TOPMed 0.00101; gnomAD 0.00112; 1000 Genomes Project 30x 0.00187; 1000 Genomes Project 0.00200.
gnomAD v4.1: 320 of 1,613,112 alleles (0.02%); highest among the groups gnomAD compares: African/African-American, 0.37%; 2 homozygotes.

Submissions (3):

Labcorp Genetics (formerly Invitae), Labcorp
Classification: Benign for Axenfeld-Rieger syndrome type 3. Last evaluated: 2026-01-12. Review status: criteria provided, single submitter. Criteria: Invitae Variant Classification Sherloc (09022015). Collection method: clinical testing. Allele origin: germline.

PreventionGenetics, part of Exact Sciences
Classification: Likely benign for FOXC1-related condition. Last evaluated: 2025-03-03. Review status: criteria provided, single submitter. Criteria: ACMG Guidelines, 2015. Collection method: clinical testing. Allele origin: germline.
Comment: This variant is classified as likely benign based on ACMG/AMP sequence variant interpretation guidelines (Richards et al. 2015 PMID: 25741868, with internal and published modifications).

Blueprint Genetics
Classification: Likely benign. Last evaluated: 2023-12-29. Review status: criteria provided, single submitter. Criteria: ACMG Guidelines, 2015. Collection method: clinical testing. Allele origin: germline.

NM_001453.3(FOXC1):c.207G>T (p.Pro69=)

Gene: FOXC1 (forkhead box C1; plus strand). Cytogenetic location: 6p25.3.
Variant type: single nucleotide variant.
Coding change: c.207G>T on transcript NM_001453.3 (MANE Select); coding-DNA position 207, G replaced by T.
Protein change: p.Pro69=; no amino-acid change (proline 69 retained).
Molecular consequence: synonymous variant.
Genome position (GRCh38, 1-based): chr6:1,610,652, G>T. VCF-style: chr6-1610652-G-T. GRCh37 (hg19) VCF-style: chr6-1610887-G-T.
Identifiers: ClinVar variation 705717 (VCV000705717.12), dbSNP rs35974174, ClinGen allele CA3614721.